The following is an entry in ClinVar:

NM_206933.4(USH2A):c.4280T>C (p.Leu1427Pro)

Gene: USH2A (usherin; minus strand). Cytogenetic location: 1q41.
Variant type: single nucleotide variant.
Coding change: c.4280T>C on transcript NM_206933.4 (MANE Select); coding-DNA position 4280, T replaced by C.
Protein change: p.Leu1427Pro; replaces leucine 1427 with proline.
Molecular consequence: missense variant.
Genome position (GRCh38, 1-based): chr1:216,190,339, A>G on the plus strand (T>C on the coding strand, the complement: USH2A is on the minus strand). VCF-style: chr1-216190339-A-G. GRCh37 (hg19) VCF-style: chr1-216363681-A-G.
Other names: c.4280T>C, p.Leu1427Pro (NM_007123.6); short protein forms L1427P.
Identifiers: ClinVar variation 1303380 (VCV001303380.6), dbSNP rs373130157, ClinGen allele CA1395755.

ClinVar aggregate classification (germline): Conflicting classifications of pathogenicity. Review status: criteria provided, conflicting classifications (1 of 4 stars). 4 submissions from 3 submitters: Likely pathogenic (1); Uncertain significance (3). Last evaluated 2023-12-28.

Conditions:
Retinitis pigmentosa 39 (RP39). Identifiers: Orphanet 791, MedGen C3151138, MONDO:0013436, OMIM 613809.
Usher syndrome type 2A. Also called: RETINAL DISEASE IN USHER SYNDROME TYPE IIA, MODIFIER OF; USHER SYNDROME, TYPE IIA. Identifiers: Orphanet 231178, Orphanet 886, MedGen C1848634, MONDO:0010169, OMIM 276901.

Allele frequency attached by ClinVar (database versions not stated): ExAC 0.00001; gnomAD 0.00001; gnomAD exomes 0.00001 and 0.00003; TOPMed 0.00002; ESP Exome Variant Server 0.00008.
gnomAD v4.1: 38 of 1,612,074 alleles (0.0024%); highest among the groups gnomAD compares: Non-Finnish European, 0.0032%; no homozygotes.

Submissions (4):

GeneDx
Classification: Likely pathogenic. Last evaluated: 2023-12-28. Review status: criteria provided, single submitter. Criteria: GeneDx Variant Classification Process June 2021. Collection method: clinical testing. Allele origin: germline. Affected: yes.
Comment: Not observed at significant frequency in large population cohorts (gnomAD); In silico analysis supports that this missense variant does not alter protein structure/function; This variant is associated with the following publications: (PMID: 28559085)

Genome-Nilou Lab
Classification: Uncertain significance for Retinitis pigmentosa 39. Last evaluated: 2023-11-04. Review status: criteria provided, single submitter. Criteria: ACMG Guidelines, 2015. Collection method: clinical testing. Allele origin: germline. Affected: no.

Genome-Nilou Lab
Classification: Uncertain significance for Usher syndrome type 2A. Last evaluated: 2023-11-04. Review status: criteria provided, single submitter. Criteria: ACMG Guidelines, 2015. Collection method: clinical testing. Allele origin: germline. Affected: no.

Labcorp Genetics (formerly Invitae), Labcorp
Classification: Uncertain significance. Last evaluated: 2022-10-21. Review status: criteria provided, single submitter. Criteria: Invitae Variant Classification Sherloc (09022015). Collection method: clinical testing. Allele origin: germline.
Comment: This sequence change replaces leucine, which is neutral and non-polar, with proline, which is neutral and non-polar, at codon 1427 of the USH2A protein (p.Leu1427Pro). This variant is present in population databases (rs373130157, gnomAD 0.002%). This missense change has been observed in individual(s) with retinitis pigmentosa (PMID: 28559085). ClinVar contains an entry for this variant (Variation ID: 1303380). Advanced modeling of protein sequence and biophysical properties (such as structural, functional, and spatial information, amino acid conservation, physicochemical variation, residue mobility, and thermodynamic stability) performed at Invitae indicates that this missense variant is not expected to disrupt USH2A protein function. In summary, the available evidence is currently insufficient to determine the role of this variant in disease. Therefore, it has been classified as a Variant of Uncertain Significance.

Literature cited by the submitters: PubMed 28559085 (cited by Labcorp Genetics (formerly Invitae), Labcorp).